The following is an entry in ClinVar:

ClinVar aggregate classification (germline): Pathogenic. Review status: criteria provided, multiple submitters, no conflicts (2 of 4 stars). 3 submissions from 3 submitters: Pathogenic (3). Last evaluated 2023-12-07.

Conditions:
Duchenne muscular dystrophy (DMD). Also called: Duchenne Muscular Dystrophy (DMD); MUSCULAR DYSTROPHY, PSEUDOHYPERTROPHIC PROGRESSIVE, DUCHENNE TYPE. Identifiers: Orphanet 98896, MedGen C0013264, MONDO:0010679, OMIM 310200.

Submissions (3):

Labcorp Genetics (formerly Invitae), Labcorp
Classification: Pathogenic for Duchenne muscular dystrophy. Last evaluated: 2023-12-07. Review status: criteria provided, single submitter. Criteria: Invitae Variant Classification Sherloc (09022015). Collection method: clinical testing. Allele origin: germline.
Comment: This sequence change creates a premature translational stop signal (p.Lys473*) in the DMD gene. It is expected to result in an absent or disrupted protein product. Loss-of-function variants in DMD are known to be pathogenic (PMID: 16770791, 25007885). This variant is not present in population databases (gnomAD no frequency). This variant has not been reported in the literature in individuals affected with DMD-related conditions. ClinVar contains an entry for this variant (Variation ID: 282849). For these reasons, this variant has been classified as Pathogenic.

ARUP Laboratories, Molecular Genetics and Genomics, ARUP Laboratories
Classification: Pathogenic. Last evaluated: 2023-04-03. Review status: criteria provided, single submitter. Criteria: ARUP Molecular Germline Variant Investigation Process 2024. Collection method: clinical testing. Allele origin: germline.
Comment: The DMD c.1417A>T; p.Lys473Ter variant (rs886042499), to our knowledge, is not reported in the medical literature but is reported in ClinVar (Variation ID: 282849). This variant is also absent from the Genome Aggregation Database, indicating it is not a common polymorphism. This variant induces an early termination codon and is predicted to result in a truncated protein or mRNA subject to nonsense-mediated decay. Additionally, other variants causing premature termination codons in this region have been described in individuals with muscular dystrophy (Flanigan 2009). Based on available information, this variant is considered to be pathogenic. References: Flanigan KM et al. Mutational spectrum of DMD mutations in dystrophinopathy patients: application of modern diagnostic techniques to a large cohort. Hum Mutat. 2009 Dec;30(12):1657-66. PMID: 19937601.

Eurofins Ntd Llc (ga)
Classification: Pathogenic. Last evaluated: 2017-09-14. Review status: criteria provided, single submitter. Criteria: EGL Classification Definitions 2015. Collection method: clinical testing. Allele origin: germline. Observed: 1 variant allele, 1 hemizygote.

Literature cited by the submitters: PubMed 16770791 (cited by Labcorp Genetics (formerly Invitae), Labcorp); PubMed 25007885 (cited by Labcorp Genetics (formerly Invitae), Labcorp).

NM_004006.3(DMD):c.1417A>T (p.Lys473Ter)

Gene: DMD (dystrophin; minus strand). Cytogenetic location: Xp21.1.
Variant type: single nucleotide variant.
Coding change: c.1417A>T on transcript NM_004006.3 (MANE Select); coding-DNA position 1417, A replaced by T.
Protein change: p.Lys473Ter; replaces lysine 473 with a stop codon.
Molecular consequence: nonsense.
Genome position (GRCh38, 1-based): chrX:32,614,368, T>A on the plus strand (A>T on the coding strand, the complement: DMD is on the minus strand). VCF-style: chrX-32614368-T-A. GRCh37 (hg19) VCF-style: chrX-32632485-T-A.
Other names: c.1393A>T, p.Lys465Ter (NM_000109.4); c.1405A>T, p.Lys469Ter (NM_004009.3); c.1048A>T, p.Lys350Ter (NM_004010.3); short protein forms K473*, K469*, K465*, K350*.
Identifiers: ClinVar variation 282849 (VCV000282849.10), dbSNP rs886042499, ClinGen allele CA10604318.